The following is an entry in ClinVar:

NM_018671.5(UNC45A):c.733A>G (p.Ile245Val)

Gene: UNC45A (unc-45 myosin chaperone A; plus strand). Cytogenetic location: 15q26.1.
Variant type: single nucleotide variant.
Coding change: c.733A>G on transcript NM_018671.5 (MANE Select); coding-DNA position 733, A replaced by G.
Protein change: p.Ile245Val; replaces isoleucine 245 with valine.
Molecular consequence: missense variant.
Genome position (GRCh38, 1-based): chr15:90,942,482, A>G. VCF-style: chr15-90942482-A-G. GRCh37 (hg19) VCF-style: chr15-91485712-A-G.
Other names: c.688A>G, p.Ile230Val (NM_001039675.2, NM_001323621.2); c.733A>G, p.Ile245Val (NM_001323619.1); c.298A>G, p.Ile100Val (NM_001323620.2); short protein forms I245V, I100V, I230V.
Identifiers: ClinVar variation 2013117 (VCV002013117.4), dbSNP rs2543139079, ClinGen allele CA393852204.

ClinVar aggregate classification (germline): Uncertain significance (1 of 4 stars; one submission).

Submission:

Labcorp Genetics (formerly Invitae), Labcorp
Classification: Uncertain significance. Last evaluated: 2022-07-02. Review status: criteria provided, single submitter. Criteria: Invitae Variant Classification Sherloc (09022015). Collection method: clinical testing. Allele origin: germline.
Comment: In summary, the available evidence is currently insufficient to determine the role of this variant in disease. Therefore, it has been classified as a Variant of Uncertain Significance. Algorithms developed to predict the effect of missense changes on protein structure and function output the following: SIFT: "Not Available"; PolyPhen-2: "Benign"; Align-GVGD: "Not Available". The valine amino acid residue is found in multiple mammalian species, which suggests that this missense change does not adversely affect protein function. This variant has not been reported in the literature in individuals affected with UNC45A-related conditions. This variant is not present in population databases (gnomAD no frequency). This sequence change replaces isoleucine, which is neutral and non-polar, with valine, which is neutral and non-polar, at codon 245 of the UNC45A protein (p.Ile245Val).